The following is an entry in ClinVar:

ClinVar aggregate classification (germline): Conflicting classifications of pathogenicity. Review status: criteria provided, conflicting classifications (1 of 4 stars). 4 submissions from 4 submitters: Uncertain significance (1); Likely benign (2). 1 of the submissions does not count toward it. Last evaluated 2025-08-04.

Conditions:
Inborn genetic diseases. Identifiers: MedGen C0950123, MeSH D030342.
TSPEAR-related disorder. Also called: TSPEAR-related condition.

Allele frequency attached by ClinVar (database versions not stated): TOPMed 0.00007; gnomAD exomes 0.00023 and 0.00040; ExAC 0.00045; 1000 Genomes Project 30x 0.00078; 1000 Genomes Project 0.00080.
gnomAD v4.1: 360 of 1,614,018 alleles (0.022%); highest among the groups gnomAD compares: South Asian, 0.34%; 2 homozygotes.

Submissions (4):

Labcorp Genetics (formerly Invitae), Labcorp
Classification: Likely benign. Last evaluated: 2025-08-04. Review status: criteria provided, single submitter. Criteria: Invitae Variant Classification Sherloc (09022015). Collection method: clinical testing. Allele origin: germline.

Ambry Genetics
Classification: Uncertain significance for Inborn genetic diseases. Last evaluated: 2024-07-10. Review status: criteria provided, single submitter. Criteria: Ambry Variant Classification Scheme 2023. Collection method: clinical testing. Allele origin: germline.

GeneDx
Classification: Likely benign. Last evaluated: 2021-02-04. Review status: criteria provided, single submitter. Criteria: GeneDx Variant Classification Process June 2021. Collection method: clinical testing. Allele origin: germline. Affected: yes.

PreventionGenetics, part of Exact Sciences
Classification: Likely benign for TSPEAR-related condition. Last evaluated: 2024-07-15. Review status: no assertion criteria provided. Collection method: clinical testing. Allele origin: germline. Not counted in ClinVar's aggregate classification.
Comment: This variant is classified as likely benign based on ACMG/AMP sequence variant interpretation guidelines (Richards et al. 2015 PMID: 25741868, with internal and published modifications).

NM_144991.3(TSPEAR):c.809C>T (p.Thr270Met)

Gene: TSPEAR (thrombospondin type laminin G domain and EAR repeats; minus strand). Cytogenetic location: 21q22.3.
Variant type: single nucleotide variant.
Coding change: c.809C>T on transcript NM_144991.3 (MANE Select); coding-DNA position 809, C replaced by T.
Protein change: p.Thr270Met; replaces threonine 270 with methionine.
Molecular consequence: missense variant.
Genome position (GRCh38, 1-based): chr21:44,528,565, G>A on the plus strand (C>T on the coding strand, the complement: TSPEAR is on the minus strand). VCF-style: chr21-44528565-G-A. GRCh37 (hg19) VCF-style: chr21-45948448-G-A.
Other names: c.605C>T, p.Thr202Met (NM_001272037.2); short protein forms T202M, T270M.
Identifiers: ClinVar variation 1192917 (VCV001192917.9), dbSNP rs587636728, ClinGen allele CA10056834.